The following is an entry in ClinVar:

NM_205836.3(FBXO38):c.2309G>A (p.Ser770Asn)

Gene: FBXO38 (F-box protein 38; plus strand). Cytogenetic location: 5q32.
Variant type: single nucleotide variant.
Coding change: c.2309G>A on transcript NM_205836.3 (MANE Select); coding-DNA position 2309, G replaced by A.
Protein change: p.Ser770Asn; replaces serine 770 with asparagine.
Molecular consequence: missense variant. On other transcripts: intron variant (1).
Genome position (GRCh38, 1-based): chr5:148,427,603, G>A. VCF-style: chr5-148427603-G-A. GRCh37 (hg19) VCF-style: chr5-147807166-G-A.
Other names: c.2309G>A, p.Ser770Asn (NM_030793.5); c.1918+1902G>A (NM_001271723.2); short protein forms S770N.
Identifiers: ClinVar variation 1497232 (VCV001497232.8), dbSNP rs1485057991, ClinGen allele CA361657505.

ClinVar aggregate classification (germline): Uncertain significance (1 of 4 stars; one submission).

Conditions:
Distal hereditary motor neuropathy type 2. Identifiers: Orphanet 139525, MedGen C3711384, MeSH C580044, MONDO:0015352.

Allele frequency attached by ClinVar (database versions not stated): gnomAD exomes below 0.00001; gnomAD 0.00001; TOPMed 0.00002.

Submission:

Labcorp Genetics (formerly Invitae), Labcorp
Classification: Uncertain significance for Distal hereditary motor neuropathy type 2. Last evaluated: 2021-04-10. Review status: criteria provided, single submitter. Criteria: Invitae Variant Classification Sherloc (09022015). Collection method: clinical testing. Allele origin: germline.
Comment: This sequence change replaces serine with asparagine at codon 770 of the FBXO38 protein (p.Ser770Asn). The serine residue is moderately conserved and there is a small physicochemical difference between serine and asparagine. This variant is not present in population databases (ExAC no frequency). This variant has not been reported in the literature in individuals with FBXO38-related conditions. Algorithms developed to predict the effect of missense changes on protein structure and function output the following: SIFT: "Tolerated"; PolyPhen-2: "Benign"; Align-GVGD: "Class C0". The asparagine amino acid residue is found in multiple mammalian species, suggesting that this missense change does not adversely affect protein function. These predictions have not been confirmed by published functional studies and their clinical significance is uncertain. In summary, the available evidence is currently insufficient to determine the role of this variant in disease. Therefore, it has been classified as a Variant of Uncertain Significance.